The following is an entry in ClinVar:

NM_014283.5(SUCO):c.3712A>G (p.Lys1238Glu)

Gene: SUCO (SUN domain containing ossification factor; plus strand). Cytogenetic location: 1q24.3.
Variant type: single nucleotide variant.
Coding change: c.3712A>G on transcript NM_014283.5 (MANE Select); coding-DNA position 3712, A replaced by G.
Protein change: p.Lys1238Glu; replaces lysine 1238 with glutamic acid.
Molecular consequence: missense variant.
Genome position (GRCh38, 1-based): chr1:172,610,206, A>G. VCF-style: chr1-172610206-A-G. GRCh37 (hg19) VCF-style: chr1-172579346-A-G.
Other names: c.2599A>G, p.Lys867Glu (NM_001282750.2); c.2023A>G, p.Lys675Glu (NM_001282751.2); c.4165A>G, p.Lys1389Glu (NM_016227.4); short protein forms K1238E, K1389E, K675E, K867E.
Identifiers: ClinVar variation 2095658 (VCV002095658.4), dbSNP rs2527518519, ClinGen allele CA343754181.

ClinVar aggregate classification (germline): Uncertain significance (1 of 4 stars; one submission).

Submission:

Labcorp Genetics (formerly Invitae), Labcorp
Classification: Uncertain significance. Last evaluated: 2022-02-09. Review status: criteria provided, single submitter. Criteria: Invitae Variant Classification Sherloc (09022015). Collection method: clinical testing. Allele origin: germline.
Comment: In summary, the available evidence is currently insufficient to determine the role of this variant in disease. Therefore, it has been classified as a Variant of Uncertain Significance. Algorithms developed to predict the effect of missense changes on protein structure and function are either unavailable or do not agree on the potential impact of this missense change (SIFT: "Tolerated"; PolyPhen-2: "Possibly Damaging"; Align-GVGD: "Class C0"). This variant has not been reported in the literature in individuals affected with SUCO-related conditions. This variant is not present in population databases (gnomAD no frequency). This sequence change replaces lysine, which is basic and polar, with glutamic acid, which is acidic and polar, at codon 1238 of the SUCO protein (p.Lys1238Glu).